The following is an entry in ClinVar:

NM_005477.3(HCN4):c.-31C>T

Gene: HCN4 (hyperpolarization activated cyclic nucleotide gated potassium channel 4; minus strand). Cytogenetic location: 15q24.1.
Variant type: single nucleotide variant.
Coding change: c.-31C>T on transcript NM_005477.3 (MANE Select); 31 bases upstream of the start codon, C replaced by T.
Molecular consequence: 5 prime UTR variant.
Genome position (GRCh38, 1-based): chr15:73,368,301, G>A on the plus strand (C>T on the coding strand, the complement: HCN4 is on the minus strand). VCF-style: chr15-73368301-G-A. GRCh37 (hg19) VCF-style: chr15-73660642-G-A.
Identifiers: ClinVar variation 511494 (VCV000511494.1), dbSNP rs1555479101, ClinGen allele CA658798403.

ClinVar aggregate classification (germline): Likely benign (1 of 4 stars; one submission).

Submission:

GeneDx
Classification: Likely benign. Last evaluated: 2017-08-23. Review status: criteria provided, single submitter. Criteria: GeneDx Variant Classification (06012015). Collection method: clinical testing. Allele origin: germline. Affected: yes.
Comment: This variant is considered likely benign or benign based on one or more of the following criteria: it is a conservative change, it occurs at a poorly conserved position in the protein, it is predicted to be benign by multiple in silico algorithms, and/or has population frequency not consistent with disease.